The following is an entry in ClinVar:

NM_001267550.2(TTN):c.16891G>A (p.Val5631Ile)

Genes: TTN (titin; minus strand), LOC126806431 (CDK7 strongly-dependent group 2 enhancer GRCh37_chr2:179595719-179596918; plus strand). Cytogenetic location: 2q31.2.
Variant type: single nucleotide variant.
Coding change: c.16891G>A on transcript NM_001267550.2 (MANE Select); coding-DNA position 16891, G replaced by A.
Protein change: p.Val5631Ile; replaces valine 5631 with isoleucine.
Molecular consequence: missense variant. On other transcripts: intron variant (3).
Genome position (GRCh38, 1-based): chr2:178,732,078, C>T on the plus strand (G>A on the coding strand, the complement: TTN is on the minus strand). VCF-style: chr2-178732078-C-T. GRCh37 (hg19) VCF-style: chr2-179596805-C-T.
Other names: c.15940G>A, p.Val5314Ile (NM_001256850.1); c.13159G>A, p.Val4387Ile (NM_133378.4); c.13282+6004G>A (NM_003319.4); c.13858+6004G>A (NM_133437.4); c.13657+6004G>A (NM_133432.3); short protein forms V5314I, V5631I, V4387I.
Identifiers: ClinVar variation 682246 (VCV000682246.2), dbSNP rs778807865, ClinGen allele CA2001962.

ClinVar aggregate classification (germline): Conflicting classifications of pathogenicity. Review status: criteria provided, conflicting classifications (1 of 4 stars). 2 submissions from 2 submitters: Uncertain significance (1); Likely benign (1). Last evaluated 2025-10-07.

Allele frequency attached by ClinVar (database versions not stated): gnomAD 0.00001; TOPMed 0.00001; gnomAD exomes 0.00002; ExAC 0.00003.
gnomAD v4.1: 12 of 1,604,868 alleles (0.00075%); highest among the groups gnomAD compares: Admixed American, 0.0017%; no homozygotes.

Submissions (2):

Women's Health and Genetics/Laboratory Corporation of America, LabCorp
Classification: Uncertain significance. Last evaluated: 2025-10-07. Review status: criteria provided, single submitter. Criteria: LabCorp Variant Classification Summary - May 2015. Collection method: clinical testing. Allele origin: germline.
Comment: Variant summary: TTN NM_133378 c.13159G>A (p.Val4387Ile), also known as NM_001267550 c.16891G>A p.Val5631Ile results in a conservative amino acid change in the encoded protein sequence. Algorithms developed to predict the effect of missense changes on protein structure and function are either unavailable or do not agree on the potential impact of this missense change. The variant allele was found at a frequency of 1.6e-05 in 244424 control chromosomes. The available data on variant occurrences in the general population are insufficient to allow any conclusion about variant significance. To our knowledge, no occurrence of c.13159G>A in individuals affected with TTN-related conditions and no experimental evidence demonstrating its impact on protein function have been reported. ClinVar contains an entry for this variant (Variation ID: 682246). Based on the evidence outlined above, the variant was classified as uncertain significance.

GeneDx
Classification: Likely benign. Last evaluated: 2018-04-23. Review status: criteria provided, single submitter. Criteria: GeneDx Variant Classification (06012015). Collection method: clinical testing. Allele origin: germline. Affected: yes.
Comment: This variant is considered likely benign or benign based on one or more of the following criteria: it is a conservative change, it occurs at a poorly conserved position in the protein, it is predicted to be benign by multiple in silico algorithms, and/or has population frequency not consistent with disease.